The following is an entry in ClinVar:

ClinVar aggregate classification (germline): Pathogenic/Likely pathogenic. Review status: criteria provided, multiple submitters, no conflicts (2 of 4 stars). 2 submissions from 2 submitters: Pathogenic (1); Likely pathogenic (1). Last evaluated 2024-07-04.

Conditions:
EIF2B2-related disorder. Also called: EIF2B2-related condition.
EIF2B2-related disorders.

Submissions (2):

Blueprint Genetics
Classification: Likely pathogenic for EIF2B2-related disorders. Last evaluated: 2024-07-04. Review status: criteria provided, single submitter. Criteria: ACMG Guidelines, 2015. Collection method: clinical testing. Allele origin: germline. Affected: yes. Observed: 3 variant alleles.

PreventionGenetics, part of Exact Sciences
Classification: Pathogenic for EIF2B2-related condition. Last evaluated: 2023-03-03. Review status: criteria provided, single submitter. Criteria: ACMG Guidelines, 2015. Collection method: clinical testing. Allele origin: germline.
Comment: The EIF2B2 c.607delA variant is predicted to result in a frameshift and premature protein termination (p.Met203Trpfs*3). An alternate variant resulting in a frameshift at the same amino acid position (c.607_612delATGGCTinsTG, p.Met203fs) has been reported in the compound heterozygous state in multiple individuals with leukoencephalopathy with vanishing white matter and other EIF2B2 related phenotypes (Leegwater et al 2001. PubMed ID: 11704758; Li et al. 2004. PubMed ID: 15060152; Ohlenbusch et al. 2005. PubMed ID: 15776425; Fogli et al. 2003. PubMed ID: 12707859). This variant is reported in 0.00088% of alleles in individuals of European (Non-Finnish) descent in gnomAD, but the single allele reported does not pass the gnomAD quality filters. Frameshift variants in EIF2B2 are expected to be pathogenic. This variant is interpreted as pathogenic.

NM_014239.4(EIF2B2):c.607del (p.Met203fs)

Gene: EIF2B2 (eukaryotic translation initiation factor 2B subunit beta; plus strand). Cytogenetic location: 14q24.3.
Variant type: Deletion.
Coding change: c.607del on transcript NM_014239.4 (MANE Select); coding-DNA position 607, one base deleted (A; older notation c.607delA).
Protein change: p.Met203fs; shifts the reading frame from methionine 203.
Molecular consequence: frameshift variant.
Genome position (GRCh38, 1-based): chr14:75,005,875, A deleted; the last of 3 consecutive A bases (chr14:75,005,873-75,005,875); deleting any one gives the same sequence. VCF-style (leftmost placement, unchanged base first): chr14-75005872-GA-G. GRCh37 (hg19) VCF-style: chr14-75472575-GA-G.
Other names: c.607delA, p.Met203Trpfs (NM_014239.2); short protein forms M203fs.
Identifiers: ClinVar variation 2634104 (VCV002634104.3), dbSNP rs771315757, ClinGen allele CA7275007.